The following is an entry in ClinVar:

ClinVar aggregate classification (germline): Uncertain significance. Review status: criteria provided, multiple submitters, no conflicts (2 of 4 stars). 4 submissions from 4 submitters: Uncertain significance (4). Last evaluated 2026-04-03.

Conditions:
Polycystic kidney disease, adult type (PKD1). Also called: Polycystic Kidney Disease 1, Autosomal Dominant; Polycystic kidney disease 1; Polycystic kidney disease 1, severe; Polycystic Kidney, Autosomal Dominant; POLYCYSTIC KIDNEY DISEASE 1 WITH OR WITHOUT POLYCYSTIC LIVER DISEASE; POLYCYSTIC KIDNEY DISEASE, ADULT, TYPE I. Identifiers: MedGen C3149841, MONDO:0008263, OMIM 173900.
Inborn genetic diseases. Identifiers: MedGen C0950123, MeSH D030342.
PKD1-related disorder. Also called: PKD1-related condition.

Allele frequency attached by ClinVar (database versions not stated): gnomAD 0.00001; ExAC 0.00002; gnomAD exomes 0.00002; TOPMed 0.00002; ESP Exome Variant Server 0.00008.
gnomAD v4.1: 24 of 1,602,082 alleles (0.0015%); highest among the groups gnomAD compares: South Asian, 0.018%; no homozygotes.

Submissions (4):

Foundation for Research in Genetics and Endocrinology, FRIGE's Institute of Human Genetics
Classification: Uncertain significance for Polycystic kidney disease, adult type. Last evaluated: 2026-04-03. Review status: criteria provided, single submitter. Criteria: ACMG Guidelines, 2015. Collection method: clinical testing. Allele origin: germline. Inheritance: Autosomal dominant inheritance. Affected: yes. Observed: 1 variant allele, 1 heterozygote.
Comment: A heterozygous missense variant in exon 15 of the PKD1 gene that results in the amino acid substitution of Serine for Glycine at codon 2289 (p.Gly2289Ser) was detected. The observed variant has not been reported in the 1000 genomes databases and has a minor allele frequency of 0.0013%, 0.0024% and 0.0023% in the gnomAD (v3.1), gnomAD (v2.1) and topmed databases, respectively. The reference codon is conserved across mammals. In summary, the variant meets our criteria to be classified as variant of uncertain significance.

Ambry Genetics
Classification: Uncertain significance for Inborn genetic diseases. Last evaluated: 2024-12-07. Review status: criteria provided, single submitter. Criteria: Ambry Variant Classification Scheme 2023. Collection method: clinical testing. Allele origin: germline.

PreventionGenetics, part of Exact Sciences
Classification: Uncertain significance for PKD1-related condition. Last evaluated: 2024-11-21. Review status: criteria provided, single submitter. Criteria: ACMG Guidelines, 2015. Collection method: clinical testing. Allele origin: germline.
Comment: The PKD1 c.6865G>A variant is predicted to result in the amino acid substitution p.Gly2289Ser. To our knowledge, this variant has not been reported in the literature. This variant is reported in 0.013% of alleles in individuals of South Asian descent in gnomAD, which is likely too common for an undocumented disease-causing variant. Although we suspect that this variant may be benign, at this time, the clinical significance of this variant is uncertain due to the absence of conclusive functional and genetic evidence.

Women's Health and Genetics/Laboratory Corporation of America, LabCorp
Classification: Uncertain significance. Last evaluated: 2023-05-26. Review status: criteria provided, single submitter. Criteria: LabCorp Variant Classification Summary - May 2015. Collection method: clinical testing. Allele origin: germline.
Comment: Variant summary: PKD1 c.6865G>A (p.Gly2289Ser) results in a non-conservative amino acid change located in the PKD/REJ-like domain (IPR002859) of the encoded protein sequence. Three of five in-silico tools predict a benign effect of the variant on protein function. The variant allele was found at a frequency of 2.4e-05 in 244944 control chromosomes (gnomAD). The available data on variant occurrences in the general population are insufficient to allow any conclusion about variant significance. To our knowledge, no occurrence of c.6865G>A in individuals affected with Polycystic Kidney Disease 1 and no experimental evidence demonstrating its impact on protein function have been reported. No clinical diagnostic laboratories have submitted clinical-significance assessments for this variant to ClinVar after 2014. Based on the evidence outlined above, the variant was classified as uncertain significance.

NM_001009944.3(PKD1):c.6865G>A (p.Gly2289Ser)

Gene: PKD1 (polycystin 1, transient receptor potential channel interacting; minus strand). Cytogenetic location: 16p13.3.
Variant type: single nucleotide variant.
Coding change: c.6865G>A on transcript NM_001009944.3 (MANE Select); coding-DNA position 6865, G replaced by A.
Protein change: p.Gly2289Ser; replaces glycine 2289 with serine.
Molecular consequence: missense variant.
Genome position (GRCh38, 1-based): chr16:2,108,302, C>T on the plus strand (G>A on the coding strand, the complement: PKD1 is on the minus strand). VCF-style: chr16-2108302-C-T. GRCh37 (hg19) VCF-style: chr16-2158303-C-T.
Other names: p.Gly2289Ser; c.6865G>A, p.Gly2289Ser (NM_000296.4); c.6865G>A (NM_000296.3); short protein forms G2289S.
Identifiers: ClinVar variation 2506230 (VCV002506230.3), dbSNP rs371216568, ClinGen allele CA7831428.
Genomic context (GRCh38, chr16:2,108,302, plus strand): 5'-ACGCACTGACCTGTGTCGAAGCCACACAGGCCCAGTGGAAACTGAGCGGCGTCTGGTCGC[C>T]GTCCTCCAGGTTGGGGTCGTAGGACTCGCTCCCATCCAGCACCAGGTCCCGTGTGTCTGA-3'
Protein context (NP_001009944.3, residues 2279-2299): SESYDPNLED[Gly2289Ser]DQTPLSFHWA